The following is an entry in ClinVar:

ClinVar aggregate classification (germline): Uncertain significance (1 of 4 stars; one submission).

Conditions:
Hereditary cancer-predisposing syndrome. Also called: Tumor predisposition; Hereditary neoplastic syndrome; Hereditary Cancer Syndrome; Neoplastic Syndromes, Hereditary. Identifiers: Orphanet 140162, MedGen C0027672, MeSH D009386, MONDO:0015356.

gnomAD v4.1: 1 of 1,614,188 alleles (0.000062%); highest among the groups gnomAD compares: Non-Finnish European, 0.000085%; no homozygotes.

Submission:

Ambry Genetics
Classification: Uncertain significance for Hereditary cancer-predisposing syndrome. Last evaluated: 2025-04-09. Review status: criteria provided, single submitter. Criteria: Ambry Variant Classification Scheme 2023. Collection method: clinical testing. Allele origin: germline.
Comment: The p.K145E variant (also known as c.433A>G), located in coding exon 4 of the SDHAF2 gene, results from an A to G substitution at nucleotide position 433. The lysine at codon 145 is replaced by glutamic acid, an amino acid with similar properties. This amino acid position is conserved. In addition, the in silico prediction for this alteration is inconclusive. Based on the available evidence, the clinical significance of this variant remains unclear.

NM_017841.4(SDHAF2):c.433A>G (p.Lys145Glu)

Gene: SDHAF2 (succinate dehydrogenase complex assembly factor 2; plus strand). Cytogenetic location: 11q12.2.
Variant type: single nucleotide variant.
Coding change: c.433A>G on transcript NM_017841.4 (MANE Select); coding-DNA position 433, A replaced by G.
Protein change: p.Lys145Glu; replaces lysine 145 with glutamic acid.
Molecular consequence: missense variant.
Genome position (GRCh38, 1-based): chr11:61,446,003, A>G. VCF-style: chr11-61446003-A-G. GRCh37 (hg19) VCF-style: chr11-61213475-A-G.
Other names: short protein forms K145E.
Identifiers: ClinVar variation 3951373 (VCV003951373.1).
Genomic context (GRCh38, chr11:61,446,003, plus strand): 5'-GCTAAACCAGCCCCAGAAATATTTGAAAATGAAGTCATGGCCCTGCTGAGAGACTTTGCT[A>G]AAAACAAAAACAAAGAGCAGAGACTGCGTGCCCCAGATCTTGAGTACCTCTTTGAAAAGC-3'
Protein context (NP_060311.1, residues 135-155): EVMALLRDFA[Lys145Glu]NKNKEQRLRA